The following is an entry in ClinVar:

NM_018344.6(SLC29A3):c.485G>A (p.Arg162His)

Gene: SLC29A3 (solute carrier family 29 member 3; plus strand). Cytogenetic location: 10q22.1.
Variant type: single nucleotide variant.
Coding change: c.485G>A on transcript NM_018344.6 (MANE Select); coding-DNA position 485, G replaced by A.
Protein change: p.Arg162His; replaces arginine 162 with histidine.
Molecular consequence: missense variant. On other transcripts: non-coding transcript variant (1).
Genome position (GRCh38, 1-based): chr10:71,351,663, G>A. VCF-style: chr10-71351663-G-A. GRCh37 (hg19) VCF-style: chr10-73111420-G-A.
Other names: c.485G>A, p.Arg162His (NM_001174098.2); c.251G>A, p.Arg84His (NM_001363518.2); short protein forms R84H, R162H.
Identifiers: ClinVar variation 2143985 (VCV002143985.5), dbSNP rs770252032, ClinGen allele CA5542944.

ClinVar aggregate classification (germline): Conflicting classifications of pathogenicity. Review status: criteria provided, conflicting classifications (1 of 4 stars). 2 submissions from 2 submitters: Uncertain significance (1); Likely benign (1). Last evaluated 2023-08-01.

Conditions:
H syndrome. Also called: Asrar Facharzt Haque syndrome; Histiocytosis with joint contractures and sensorineural deafness; FAISALABAD HISTIOCYTOSIS; Pigmented hypertrichosis and insulin-dependent diabetes mellitus; HISTIOCYTOSIS AND LYMPHADENOPATHY WITH OR WITHOUT CUTANEOUS, CARDIAC, AND/OR ENDOCRINE FEATURES, JOINT CONTRACTURES, AND/OR DEAFNESS; HYPERPIGMENTATION, CUTANEOUS, WITH HYPERTRICHOSIS, HEPATOSPLENOMEGALY, HEART ANOMALIES, AND HYPOGONADISM WITH OR WITHOUT HEARING LOSS. Identifiers: Orphanet 168569, MedGen C1864445, MONDO:0011273, OMIM 602782.

Allele frequency attached by ClinVar (database versions not stated): gnomAD 0.00001; TOPMed 0.00001; gnomAD exomes 0.00002; ExAC 0.00003.
gnomAD v4.1: 28 of 1,614,060 alleles (0.0017%); highest among the groups gnomAD compares: South Asian, 0.0077%; no homozygotes.

Submissions (2):

Blueprint Genetics
Classification: Likely benign. Last evaluated: 2023-08-01. Review status: criteria provided, single submitter. Criteria: ACMG Guidelines, 2015. Collection method: clinical testing. Allele origin: germline.

Labcorp Genetics (formerly Invitae), Labcorp
Classification: Uncertain significance for H syndrome. Last evaluated: 2022-07-21. Review status: criteria provided, single submitter. Criteria: Invitae Variant Classification Sherloc (09022015). Collection method: clinical testing. Allele origin: germline.
Comment: This variant has not been reported in the literature in individuals affected with SLC29A3-related conditions. In summary, the available evidence is currently insufficient to determine the role of this variant in disease. Therefore, it has been classified as a Variant of Uncertain Significance. Algorithms developed to predict the effect of missense changes on protein structure and function (SIFT, PolyPhen-2, Align-GVGD) all suggest that this variant is likely to be tolerated. This variant is present in population databases (rs770252032, gnomAD 0.006%). This sequence change replaces arginine, which is basic and polar, with histidine, which is basic and polar, at codon 162 of the SLC29A3 protein (p.Arg162His).